The following is an entry in ClinVar:

NM_015015.3(KDM4B):c.2617C>T (p.His873Tyr)

Gene: KDM4B (lysine demethylase 4B; plus strand). Cytogenetic location: 19p13.3.
Variant type: single nucleotide variant.
Coding change: c.2617C>T on transcript NM_015015.3 (MANE Select); coding-DNA position 2617, C replaced by T.
Protein change: p.His873Tyr; replaces histidine 873 with tyrosine.
Molecular consequence: missense variant.
Genome position (GRCh38, 1-based): chr19:5,144,033, C>T. VCF-style: chr19-5144033-C-T. GRCh37 (hg19) VCF-style: chr19-5144044-C-T.
Other names: c.2719C>T, p.His907Tyr (NM_001411148.1); short protein forms H873Y, H907Y.
Identifiers: ClinVar variation 4687084 (VCV004687084.1).

ClinVar aggregate classification (germline): Uncertain significance (1 of 4 stars; one submission).

gnomAD v4.1: 3 of 1,602,474 alleles (0.00019%); highest among the groups gnomAD compares: Non-Finnish European, 0.00026%; no homozygotes.

Submission:

GeneDx
Classification: Uncertain significance. Last evaluated: 2025-07-24. Review status: criteria provided, single submitter. Criteria: GeneDx Variant Classification Process June 2021. Collection method: clinical testing. Allele origin: germline. Affected: yes.
Comment: Not observed at significant frequency in large population cohorts (gnomAD); In silico analysis supports that this missense variant has a deleterious effect on protein structure/function; Has not been previously published as pathogenic or benign to our knowledge